The following is an entry in ClinVar:

NM_080680.3(COL11A2):c.3500A>G (p.Lys1167Arg)

Gene: COL11A2 (collagen type XI alpha 2 chain; minus strand). Cytogenetic location: 6p21.32.
Variant type: single nucleotide variant.
Coding change: c.3500A>G on transcript NM_080680.3 (MANE Select); coding-DNA position 3500, A replaced by G.
Protein change: p.Lys1167Arg; replaces lysine 1167 with arginine.
Molecular consequence: missense variant.
Genome position (GRCh38, 1-based): chr6:33,170,585, T>C on the plus strand (A>G on the coding strand, the complement: COL11A2 is on the minus strand). VCF-style: chr6-33170585-T-C. GRCh37 (hg19) VCF-style: chr6-33138362-T-C.
Other names: c.3320A>G, p.Lys1107Arg (NM_001424108.1); c.2654A>G, p.Lys885Arg (NM_001424109.1); c.2474A>G, p.Lys825Arg (NM_001424110.1, NM_001424111.1); c.1454A>G, p.Lys485Arg (NM_001424112.1); c.3179A>G, p.Lys1060Arg (NM_080679.3); c.3242A>G, p.Lys1081Arg (NM_080681.3); short protein forms K1060R, K1081R, K1107R, K1167R, K485R, K825R, K885R.
Identifiers: ClinVar variation 4804582 (VCV004804582.1).
Genomic context (GRCh38, chr6:33,170,585, plus strand): 5'-TGGTGGCTAGGGTCAGTAGGGGTCACACTCACCATAGGACCCACATCTCCTGTTTCTCCC[T>C]TCTCCCCAGAGGGGCCTGGCAAACCCTGTGCAAGTATACAAAACATGGGCCCAGGTGACG-3'
Protein context (NP_542411.2, residues 1157-1177): LQGLPGPSGE[Lys1167Arg]GETGDVGPMG

ClinVar aggregate classification (germline): Uncertain significance (1 of 4 stars; one submission).

Submission:

Labcorp Genetics (formerly Invitae), Labcorp
Classification: Uncertain significance. Last evaluated: 2025-11-08. Review status: criteria provided, single submitter. Criteria: Invitae Variant Classification Sherloc (09022015). Collection method: clinical testing. Allele origin: germline.
Comment: This sequence change replaces lysine, which is basic and polar, with arginine, which is basic and polar, at codon 1167 of the COL11A2 protein (p.Lys1167Arg). This variant is not present in population databases (gnomAD no frequency). This variant has not been reported in the literature in individuals affected with COL11A2-related conditions. Invitae Evidence Modeling of protein sequence and biophysical properties (such as structural, functional, and spatial information, amino acid conservation, physicochemical variation, residue mobility, and thermodynamic stability) indicates that this missense variant is expected to disrupt COL11A2 protein function with a positive predictive value of 80%. Algorithms developed to predict the effect of sequence changes on RNA splicing suggest that this variant may disrupt the consensus splice site. In summary, the available evidence is currently insufficient to determine the role of this variant in disease. Therefore, it has been classified as a Variant of Uncertain Significance.